The following is an entry in ClinVar:

ClinVar aggregate classification (germline): Uncertain significance (1 of 4 stars; one submission).

Submission:

Labcorp Genetics (formerly Invitae), Labcorp
Classification: Uncertain significance. Last evaluated: 2023-10-18. Review status: criteria provided, single submitter. Criteria: Invitae Variant Classification Sherloc (09022015). Collection method: clinical testing. Allele origin: germline.
Comment: This sequence change replaces glycine, which is neutral and non-polar, with cysteine, which is neutral and slightly polar, at codon 12 of the RAI1 protein (p.Gly12Cys). This variant is not present in population databases (gnomAD no frequency). This variant has not been reported in the literature in individuals affected with RAI1-related conditions. Advanced modeling of protein sequence and biophysical properties (such as structural, functional, and spatial information, amino acid conservation, physicochemical variation, residue mobility, and thermodynamic stability) performed at Invitae indicates that this missense variant is expected to disrupt RAI1 protein function. In summary, the available evidence is currently insufficient to determine the role of this variant in disease. Therefore, it has been classified as a Variant of Uncertain Significance.

NM_030665.4(RAI1):c.34G>T (p.Gly12Cys)

Gene: RAI1 (retinoic acid induced 1; plus strand). Cytogenetic location: 17p11.2.
Variant type: single nucleotide variant.
Coding change: c.34G>T on transcript NM_030665.4 (MANE Select); coding-DNA position 34, G replaced by T.
Protein change: p.Gly12Cys; replaces glycine 12 with cysteine.
Molecular consequence: missense variant.
Genome position (GRCh38, 1-based): chr17:17,792,982, G>T. VCF-style: chr17-17792982-G-T. GRCh37 (hg19) VCF-style: chr17-17696296-G-T.
Other names: short protein forms G12C.
Identifiers: ClinVar variation 2769744 (VCV002769744.3), dbSNP rs1598086557, ClinGen allele CA398544608.